The following is an entry in ClinVar:

ClinVar aggregate classification (germline): Conflicting classifications of pathogenicity. Review status: criteria provided, conflicting classifications (1 of 4 stars). 4 submissions from 4 submitters: Uncertain significance (3); Likely benign (1). Last evaluated 2025-06-30.

Conditions:
Hereditary cancer-predisposing syndrome. Also called: Hereditary Cancer Syndrome; Neoplastic Syndromes, Hereditary; Tumor predisposition; Hereditary neoplastic syndrome. Identifiers: Orphanet 140162, MedGen C0027672, MeSH D009386, MONDO:0015356.
Intellectual disability, autosomal dominant 16 (CSS4). Also called: COFFIN-SIRIS SYNDROME 4. Identifiers: Orphanet 1465, MedGen C3553249, MONDO:0013821, OMIM 614609.
Rhabdoid tumor predisposition syndrome 2 (RTPS2). Identifiers: Orphanet 231108, Orphanet 69077, MedGen C2750074, MONDO:0013224, OMIM 613325.

Allele frequency attached by ClinVar (database versions not stated): gnomAD exomes below 0.00001; gnomAD 0.00001; TOPMed 0.00002.
gnomAD v4.1: 8 of 1,614,140 alleles (0.0005%); highest among the groups gnomAD compares: African/African-American, 0.011%; no homozygotes.

Submissions (4):

Quest Diagnostics Nichols Institute San Juan Capistrano
Classification: Uncertain significance. Last evaluated: 2025-06-30. Review status: criteria provided, single submitter. Criteria: Quest Diagnostics criteria. Collection method: clinical testing. Allele origin: unknown.
Comment: The SMARCA4 c.1774G>A (p.Ala592Thr) variant has not been reported in individuals with SMARCA4-related conditions in the published literature. The frequency of this variant in the general population (Genome Aggregation Database) is uninformative in the assessment of its pathogenicity. Analysis of this variant using bioinformatics tools for the prediction of the effect of amino acid changes on protein structure and function yielded predictions that this variant is benign. Based on the available information, we are unable to determine the clinical significance of this variant.

Labcorp Genetics (formerly Invitae), Labcorp
Classification: Uncertain significance for Rhabdoid tumor predisposition syndrome 2. Last evaluated: 2024-06-05. Review status: criteria provided, single submitter. Criteria: Invitae Variant Classification Sherloc (09022015). Collection method: clinical testing. Allele origin: germline.
Comment: This sequence change replaces alanine, which is neutral and non-polar, with threonine, which is neutral and polar, at codon 592 of the SMARCA4 protein (p.Ala592Thr). This variant is present in population databases (no rsID available, gnomAD 0.01%). This variant has not been reported in the literature in individuals affected with SMARCA4-related conditions. ClinVar contains an entry for this variant (Variation ID: 480632). Advanced modeling of protein sequence and biophysical properties (such as structural, functional, and spatial information, amino acid conservation, physicochemical variation, residue mobility, and thermodynamic stability) performed at Invitae indicates that this missense variant is not expected to disrupt SMARCA4 protein function with a negative predictive value of 95%. In summary, the available evidence is currently insufficient to determine the role of this variant in disease. Therefore, it has been classified as a Variant of Uncertain Significance.

Ambry Genetics
Classification: Likely benign for Hereditary cancer-predisposing syndrome. Last evaluated: 2023-07-13. Review status: criteria provided, single submitter. Criteria: Ambry Variant Classification Scheme 2023. Collection method: clinical testing. Allele origin: germline.

Genome-Nilou Lab
Classification: Uncertain significance for Intellectual disability, autosomal dominant 16. Last evaluated: 2021-07-15. Review status: criteria provided, single submitter. Criteria: ACMG Guidelines, 2015. Collection method: clinical testing. Allele origin: germline. Affected: no.

Literature cited by the submitters: PubMed 33144586 (cited by Quest Diagnostics Nichols Institute San Juan Capistrano).

NM_003072.5(SMARCA4):c.1774G>A (p.Ala592Thr)

Gene: SMARCA4 (SWI/SNF related BAF chromatin remodeling complex subunit ATPase 4; plus strand). Cytogenetic location: 19p13.2.
Variant type: single nucleotide variant.
Coding change: c.1774G>A on transcript NM_003072.5 (MANE Select); coding-DNA position 1774, G replaced by A.
Protein change: p.Ala592Thr; replaces alanine 592 with threonine.
Molecular consequence: missense variant. On other transcripts: non-coding transcript variant (1).
Genome position (GRCh38, 1-based): chr19:10,996,506, G>A. VCF-style: chr19-10996506-G-A. GRCh37 (hg19) VCF-style: chr19-11107182-G-A.
Other names: c.1774G>A, p.Ala592Thr (NM_001128844.3, NM_001128845.2, NM_001128846.2 and 5 more transcripts); short protein forms A592T.
Identifiers: ClinVar variation 480632 (VCV000480632.18), dbSNP rs1257518561, ClinGen allele CA404064763.